The following is an entry in ClinVar:

NM_000128.4(F11):c.438C>A (p.Cys146Ter)

Gene: F11 (coagulation factor XI; plus strand). Cytogenetic location: 4q35.2.
Variant type: single nucleotide variant.
Coding change: c.438C>A on transcript NM_000128.4 (MANE Select); coding-DNA position 438, C replaced by A.
Protein change: p.Cys146Ter; replaces cysteine 146 with a stop codon.
Molecular consequence: nonsense.
Genome position (GRCh38, 1-based): chr4:186,274,228, C>A. VCF-style: chr4-186274228-C-A. GRCh37 (hg19) VCF-style: chr4-187195382-C-A.
Other names: F11, CYS128TER; C128*; c.438C>A, p.Cys146Ter (NM_001354804.2); short protein forms C146*.
Identifiers: ClinVar variation 11896 (VCV000011896.20), dbSNP rs121965066, ClinGen allele CA121752.
Genomic context (GRCh38, chr4:186,274,228, plus strand): 5'-CAGCTCAGTTGCCAAGAGTGCTCAAGAATGCCAAGAAAGATGCACGGATGACGTCCACTG[C>A]CACTTTTTCACGTACGCCACAAGGCAGTTTCCCAGCCTGGAGCATCGGTGAGTGAGTCCC-3'

ClinVar aggregate classification (germline): Pathogenic/Likely pathogenic. Review status: criteria provided, multiple submitters, no conflicts (2 of 4 stars). 8 submissions from 8 submitters: Pathogenic (5); Likely pathogenic (2). 1 of the submissions does not count toward it. Last evaluated 2025-12-24.

Conditions:
Plasma factor XI deficiency.
Hereditary factor XI deficiency disease. Also called: Congenital factor XI deficiency; PLASMA THROMBOPLASTIN ANTECEDENT DEFICIENCY; PTA DEFICIENCY; ROSENTHAL SYNDROME. Identifiers: Orphanet 329, MedGen C0015523, MeSH D005173, MONDO:0012897, OMIM 612416.

Allele frequency attached by ClinVar (database versions not stated): TOPMed 0.00003; gnomAD 0.00005; gnomAD exomes 0.00003 and 0.00026; ExAC 0.00003.
gnomAD v4.1: 379 of 1,614,102 alleles (0.023%); highest among the groups gnomAD compares: Non-Finnish European, 0.032%; 1 homozygote.

Submissions (8):

Variantyx, Inc.
Classification: Likely pathogenic for Hereditary factor XI deficiency disease. Last evaluated: 2025-12-24. Review status: criteria provided, single submitter. Criteria: Variantyx Assertion Criteria 2022. Collection method: clinical testing. Allele origin: germline. Inheritance: Semidominant inheritance.
Comment: This is a nonsense variant in the F11 gene (OMIM: 264900). Pathogenic variants in this gene have been associated with semidominant factor XI deficiency. This variant introduces a premature termination codon in exon 5 out of 15 and is expected to result in loss of function, which is a known disease mechanism for F11 in this disorder (PMID: 20301578) (PVS1). This variant has a 0.0317% maximum allele frequency in non-founder control populations (PM2). It has been reported in the heterozygous state in at least three unrelated affected individuals (PMID: 31064749, 37647632). Heterozygous individuals are reported to have mild phenotypes (PMID: 15140127, 7669672). Based on the current evidence, this variant is classified as likely pathogenic for semidominant factor XI deficiency.

Natera, Inc.
Classification: Pathogenic for Plasma factor XI deficiency. Last evaluated: 2025-10-30. Review status: criteria provided, single submitter. Criteria: Natera Variant Classification Schema (03/2026). Collection method: clinical testing. Allele origin: germline.
Comment: The c.438C>A variant in F11 is a nonsense variant predicted to introduce a stop codon at amino acid 146. This variant is expected to result in nonsense mediated decay, truncation, or a dysfunctional protein product. This variant is rare in the general population with a frequency below the threshold expected for the associated phenotype(s). This variant has been observed in one or more individuals affected with the associated recessive disease, as either homozygous or compound heterozygous with a second variant (PMID: 26558335). Given the available evidence, this variant is classified as Pathogenic.

Labcorp Genetics (formerly Invitae), Labcorp
Classification: Pathogenic. Last evaluated: 2025-10-14. Review status: criteria provided, single submitter. Criteria: Invitae Variant Classification Sherloc (09022015). Collection method: clinical testing. Allele origin: germline.
Comment: This sequence change creates a premature translational stop signal (p.Cys146*) in the F11 gene. It is expected to result in an absent or disrupted protein product. Loss-of-function variants in F11 are known to be pathogenic (PMID: 23929304). This variant is present in population databases (rs121965066, gnomAD 0.009%). This premature translational stop signal has been observed in individuals with autosomal recessive factor XI deficiency (PMID: 7669672, 16835901). This variant is also known as p.Cys128*. ClinVar contains an entry for this variant (Variation ID: 11896). For these reasons, this variant has been classified as Pathogenic.

GeneDx
Classification: Pathogenic. Last evaluated: 2023-11-02. Review status: criteria provided, single submitter. Criteria: GeneDx Variant Classification Process June 2021. Collection method: clinical testing. Allele origin: germline. Affected: yes.
Comment: Nonsense variant predicted to result in protein truncation or nonsense mediated decay in a gene for which loss-of-function is a known mechanism of disease; Also reported as C128X due to the use of alternate nomenclature; This variant is associated with the following publications: (PMID: 15180874, 7669672, 16835901, 31064749, 19652879)

Revvity Omics, Revvity
Classification: Pathogenic for Hereditary factor XI deficiency disease. Last evaluated: 2022-07-06. Review status: criteria provided, single submitter. Criteria: ACMG Guidelines, 2015. Collection method: clinical testing. Allele origin: germline.

Fulgent Genetics
Classification: Pathogenic for Hereditary factor XI deficiency disease. Last evaluated: 2022-04-28. Review status: criteria provided, single submitter. Criteria: ACMG Guidelines, 2015. Collection method: clinical testing. Allele origin: unknown.

NIHR Bioresource Rare Diseases, University of Cambridge
Classification: Likely pathogenic for Hereditary factor XI deficiency disease. Last evaluated: 2019-02-01. Review status: criteria provided, single submitter. Criteria: ACMG Guidelines, 2015. Collection method: research. Allele origin: unknown. Affected: yes. Observed: 1 heterozygote, 1 compound heterozygote. Study: ThromboGenomics.

OMIM
Classification: Pathogenic for FACTOR XI DEFICIENCY. Last evaluated: 2004-06-01. Review status: no assertion criteria provided. Collection method: literature only. Allele origin: germline. Not counted in ClinVar's aggregate classification.

Literature cited by the submitters: PubMed 20301578 (cited by Variantyx, Inc.); PubMed 31064749 (cited by Variantyx, Inc. and NIHR Bioresource Rare Diseases, University of Cambridge); PubMed 37647632 (cited by Variantyx, Inc.); PubMed 15140127 (cited by Variantyx, Inc.); PubMed 7669672 (cited by 3 submitters); PubMed 26558335 (cited by Natera, Inc.); PubMed 23929304 (cited by Labcorp Genetics (formerly Invitae), Labcorp); PubMed 16835901 (cited by Labcorp Genetics (formerly Invitae), Labcorp); PubMed 15180874 (cited by OMIM).